The following is an entry in ClinVar:

NM_004863.4(SPTLC2):c.736A>G (p.Ile246Val)

Gene: SPTLC2 (serine palmitoyltransferase long chain base subunit 2; minus strand). Cytogenetic location: 14q24.3.
Variant type: single nucleotide variant.
Coding change: c.736A>G on transcript NM_004863.4 (MANE Select); coding-DNA position 736, A replaced by G.
Protein change: p.Ile246Val; replaces isoleucine 246 with valine.
Molecular consequence: missense variant.
Genome position (GRCh38, 1-based): chr14:77,570,404, T>C on the plus strand (A>G on the coding strand, the complement: SPTLC2 is on the minus strand). VCF-style: chr14-77570404-T-C. GRCh37 (hg19) VCF-style: chr14-78036747-T-C.
Other names: short protein forms I246V.
Identifiers: ClinVar variation 849079 (VCV000849079.9), dbSNP rs2079674880, ClinGen allele CA390712556.

ClinVar aggregate classification (germline): Uncertain significance (1 of 4 stars; one submission).

Conditions:
Neuropathy, hereditary sensory and autonomic, type 1C. Also called: HSAN IC; HSN IC. Identifiers: Orphanet 36386, MedGen C3150896, MONDO:0013337, OMIM 613640.

Submission:

Labcorp Genetics (formerly Invitae), Labcorp
Classification: Uncertain significance for Neuropathy, hereditary sensory and autonomic, type 1C. Last evaluated: 2019-12-05. Review status: criteria provided, single submitter. Criteria: Invitae Variant Classification Sherloc (09022015). Collection method: clinical testing. Allele origin: germline.
Comment: This variant has not been reported in the literature in individuals with SPTLC2-related conditions. In summary, the available evidence is currently insufficient to determine the role of this variant in disease. Therefore, it has been classified as a Variant of Uncertain Significance. Algorithms developed to predict the effect of missense changes on protein structure and function (SIFT, PolyPhen-2, Align-GVGD) all suggest that this variant is likely to be tolerated, but these predictions have not been confirmed by published functional studies and their clinical significance is uncertain. This variant is not present in population databases (ExAC no frequency). This sequence change replaces isoleucine with valine at codon 246 of the SPTLC2 protein (p.Ile246Val). The isoleucine residue is moderately conserved and there is a small physicochemical difference between isoleucine and valine.